The following is an entry in ClinVar:

NM_012123.4(MTO1):c.1672A>G (p.Met558Val)

Gene: MTO1 (mitochondrial tRNA translation optimization 1; plus strand). Cytogenetic location: 6q13.
Variant type: single nucleotide variant.
Coding change: c.1672A>G on transcript NM_012123.4 (MANE Select); coding-DNA position 1672, A replaced by G.
Protein change: p.Met558Val; replaces methionine 558 with valine.
Molecular consequence: missense variant.
Genome position (GRCh38, 1-based): chr6:73,492,268, A>G. VCF-style: chr6-73492268-A-G. GRCh37 (hg19) VCF-style: chr6-74201991-A-G.
Other names: c.1792A>G, p.Met598Val (NM_001123226.2); c.1747A>G, p.Met583Val (NM_133645.3); short protein forms M598V, M583V, M558V.
Identifiers: ClinVar variation 1981431 (VCV001981431.4), dbSNP rs1397308960, ClinGen allele CA364700115.

ClinVar aggregate classification (germline): Uncertain significance (1 of 4 stars; one submission).

Conditions:
Mitochondrial hypertrophic cardiomyopathy with lactic acidosis due to MTO1 deficiency. Also called: CARDIOMYOPATHY, INFANTILE HYPERTROPHIC MITOCHONDRIAL, AND LACTIC ACIDOSIS; Combined oxidative phosphorylation deficiency 10. Identifiers: Orphanet 314637, MedGen C4749921, MONDO:0013865, OMIM 614702.

Allele frequency attached by ClinVar (database versions not stated): gnomAD exomes below 0.00001; TOPMed 0.00001.

Submission:

Labcorp Genetics (formerly Invitae), Labcorp
Classification: Uncertain significance for Mitochondrial hypertrophic cardiomyopathy with lactic acidosis due to MTO1 deficiency. Last evaluated: 2025-12-08. Review status: criteria provided, single submitter. Criteria: Invitae Variant Classification Sherloc (09022015). Collection method: clinical testing. Allele origin: germline.
Comment: This sequence change replaces methionine, which is neutral and non-polar, with valine, which is neutral and non-polar, at codon 558 of the MTO1 protein (p.Met558Val). This variant is present in population databases (no rsID available, gnomAD 0.003%). This variant has not been reported in the literature in individuals affected with MTO1-related conditions. ClinVar contains an entry for this variant (Variation ID: 1981431). Invitae Evidence Modeling of protein sequence and biophysical properties (such as structural, functional, and spatial information, amino acid conservation, physicochemical variation, residue mobility, and thermodynamic stability) indicates that this missense variant is not expected to disrupt MTO1 protein function with a negative predictive value of 95%. In summary, the available evidence is currently insufficient to determine the role of this variant in disease. Therefore, it has been classified as a Variant of Uncertain Significance.